The following is an entry in ClinVar:

NM_001130438.3(SPTAN1):c.5350T>C (p.Trp1784Arg)

Gene: SPTAN1 (spectrin alpha, non-erythrocytic 1; plus strand). Cytogenetic location: 9q34.11.
Variant type: single nucleotide variant.
Coding change: c.5350T>C on transcript NM_001130438.3 (MANE Select); coding-DNA position 5350, T replaced by C.
Protein change: p.Trp1784Arg; replaces tryptophan 1784 with arginine.
Molecular consequence: missense variant.
Genome position (GRCh38, 1-based): chr9:128,615,833, T>C. VCF-style: chr9-128615833-T-C. GRCh37 (hg19) VCF-style: chr9-131378112-T-C.
Other names: p.W1784R:TGG>CGG; c.5275T>C, p.Trp1759Arg (NM_001195532.2); c.5350T>C, p.Trp1784Arg (NM_001363759.2); c.5290T>C, p.Trp1764Arg (NM_001363765.2); c.5335T>C, p.Trp1779Arg (NM_003127.4); short protein forms W1784R, W1779R, W1759R, W1764R.
Identifiers: ClinVar variation 207295 (VCV000207295.1), dbSNP rs796053309, ClinGen allele CA318625.

ClinVar aggregate classification (germline): Likely benign (1 of 4 stars; one submission).

Submission:

GeneDx
Classification: Likely benign. Last evaluated: 2016-12-27. Review status: criteria provided, single submitter. Criteria: GeneDx Variant Classification (06012015). Collection method: clinical testing. Allele origin: germline. Affected: yes.
Comment: This variant is considered likely benign or benign based on one or more of the following criteria: it is a conservative change, it occurs at a poorly conserved position in the protein, it is predicted to be benign by multiple in silico algorithms, and/or has population frequency not consistent with disease.